The following is an entry in ClinVar:

ClinVar aggregate classification (germline): Uncertain significance. Review status: criteria provided, multiple submitters, no conflicts (2 of 4 stars). 2 submissions from 2 submitters: Uncertain significance (2). Last evaluated 2024-10-28.

Conditions:
Inborn genetic diseases. Identifiers: MedGen C0950123, MeSH D030342.

Allele frequency attached by ClinVar (database versions not stated): ExAC 0.00001; gnomAD exomes 0.00002; TOPMed 0.00002.
gnomAD v4.1: 33 of 1,608,626 alleles (0.0021%); highest among the groups gnomAD compares: Non-Finnish European, 0.0026%; no homozygotes.

Submissions (2):

Ambry Genetics
Classification: Uncertain significance for Inborn genetic diseases. Last evaluated: 2024-10-28. Review status: criteria provided, single submitter. Criteria: Ambry Variant Classification Scheme 2023. Collection method: clinical testing. Allele origin: germline.

Labcorp Genetics (formerly Invitae), Labcorp
Classification: Uncertain significance. Last evaluated: 2022-04-28. Review status: criteria provided, single submitter. Criteria: Invitae Variant Classification Sherloc (09022015). Collection method: clinical testing. Allele origin: germline.
Comment: This sequence change replaces threonine, which is neutral and polar, with alanine, which is neutral and non-polar, at codon 312 of the TELO2 protein (p.Thr312Ala). This variant is present in population databases (rs752774564, gnomAD 0.001%). This variant has not been reported in the literature in individuals affected with TELO2-related conditions. Algorithms developed to predict the effect of missense changes on protein structure and function (SIFT, PolyPhen-2, Align-GVGD) all suggest that this variant is likely to be tolerated. In summary, the available evidence is currently insufficient to determine the role of this variant in disease. Therefore, it has been classified as a Variant of Uncertain Significance.

NM_016111.4(TELO2):c.934A>G (p.Thr312Ala)

Gene: TELO2 (telomere maintenance 2; plus strand). Cytogenetic location: 16p13.3.
Variant type: single nucleotide variant.
Coding change: c.934A>G on transcript NM_016111.4 (MANE Select); coding-DNA position 934, A replaced by G.
Protein change: p.Thr312Ala; replaces threonine 312 with alanine.
Molecular consequence: missense variant.
Genome position (GRCh38, 1-based): chr16:1,500,096, A>G. VCF-style: chr16-1500096-A-G. GRCh37 (hg19) VCF-style: chr16-1550097-A-G.
Other names: c.934A>G, p.Thr312Ala (NM_001351846.2); c.934A>G (NM_016111.3); short protein forms T312A.
Identifiers: ClinVar variation 2148888 (VCV002148888.5), dbSNP rs752774564, ClinGen allele CA7811866.